The following is an entry in ClinVar:

ClinVar aggregate classification (germline): Pathogenic (1 of 4 stars; one submission).

Conditions:
Neurodevelopmental disorder with nonspecific brain abnormalities and with or without seizures. Identifiers: MedGen C5231470, MONDO:0032877, OMIM 618709.

Submission:

Clinical Genetics Laboratory, University Hospital Schleswig-Holstein
Classification: Pathogenic for Neurodevelopmental disorder with nonspecific brain abnormalities and with or without seizures. Last evaluated: 2025-07-28. Review status: criteria provided, single submitter. Criteria: ACMG Guidelines, 2015. Collection method: clinical testing. Allele origin: maternal. Affected: yes. Observed: 1 heterozygote.
Comment: ACMG criteria applied: PM2, PVS1

NM_005618.4(DLL1):c.2048+1G>T

Genes: DLL1 (delta like canonical Notch ligand 1; minus strand), LOC126859913 (P300/CBP strongly-dependent group 1 enhancer GRCh37_chr6:170591232-170592431; plus strand). Cytogenetic location: 6q27.
Variant type: single nucleotide variant.
Coding change: c.2048+1G>T on transcript NM_005618.4 (MANE Select); the canonical splice donor site of the intron after coding-DNA position 2048, G replaced by T.
Molecular consequence: splice donor variant.
Genome position (GRCh38, 1-based): chr6:170,283,230, C>A on the plus strand (G>T on the coding strand, the complement: DLL1 is on the minus strand). VCF-style: chr6-170283230-C-A. GRCh37 (hg19) VCF-style: chr6-170592318-C-A.
Identifiers: ClinVar variation 4891300 (VCV004891300.1).
Genomic context (GRCh38, chr6:170,283,230, plus strand): 5'-AGTGGTTCCAGGAAGACACCCCCCAGGTACCCCCTCCTGATGCCCGGCCCGCAGCACGCA[C>A]CCCCTGAGTGTGGTCGGGGTCCCCTTCTCCTCCCCTGAGGAGCCCTGGGGCTGGCACTTG-3'